The following is an entry in ClinVar:

NM_004973.4(JARID2):c.2533G>T (p.Glu845Ter)

Gene: JARID2 (jumonji and AT-rich interaction domain containing 2; plus strand). Cytogenetic location: 6p22.3.
Variant type: single nucleotide variant.
Coding change: c.2533G>T on transcript NM_004973.4 (MANE Select); coding-DNA position 2533, G replaced by T.
Protein change: p.Glu845Ter; replaces glutamic acid 845 with a stop codon.
Molecular consequence: nonsense.
Genome position (GRCh38, 1-based): chr6:15,504,584, G>T. VCF-style: chr6-15504584-G-T. GRCh37 (hg19) VCF-style: chr6-15504815-G-T.
Other names: c.2017G>T, p.Glu673Ter (NM_001267040.1); short protein forms E673*, E845*.
Identifiers: ClinVar variation 3112221 (VCV003112221.1), dbSNP rs754929108, ClinGen allele CA362800229.

ClinVar aggregate classification (germline): Pathogenic (1 of 4 stars; one submission).

Conditions:
Inborn genetic diseases. Identifiers: MedGen C0950123, MeSH D030342.

Submission:

Ambry Genetics
Classification: Pathogenic for Inborn genetic diseases. Last evaluated: 2021-08-30. Review status: criteria provided, single submitter. Criteria: Ambry Variant Classification Scheme 2023. Collection method: clinical testing. Allele origin: germline.
Comment: The c.2533G>T (p.E845*) alteration, located in exon 9 (coding exon 9) of the JARID2 gene, consists of a G to T substitution at nucleotide position 2533. This changes the amino acid from a glutamic acid (E) to a stop codon at amino acid position 845. This alteration is expected to result in loss of function by premature protein truncation or nonsense-mediated mRNA decay. This variant was not reported in population-based cohorts in the Genome Aggregation Database (gnomAD). Based on the available evidence, this alteration is classified as pathogenic.